The following is an entry in ClinVar:

NM_000059.4(BRCA2):c.7340A>T (p.Asn2447Ile)

Gene: BRCA2 (BRCA2 DNA repair associated; plus strand). Cytogenetic location: 13q13.1.
Variant type: single nucleotide variant.
Coding change: c.7340A>T on transcript NM_000059.4 (MANE Select); coding-DNA position 7340, A replaced by T.
Protein change: p.Asn2447Ile; replaces asparagine 2447 with isoleucine.
Molecular consequence: missense variant.
Genome position (GRCh38, 1-based): chr13:32,355,193, A>T. VCF-style: chr13-32355193-A-T. GRCh37 (hg19) VCF-style: chr13-32929330-A-T.
Other names: short protein forms N2447I.
Identifiers: ClinVar variation 996253 (VCV000996253.1), dbSNP rs763490852, ClinGen allele CA387741280.

ClinVar aggregate classification (germline): Uncertain significance (1 of 4 stars; one submission).

Submission:

Women's Health and Genetics/Laboratory Corporation of America, LabCorp
Classification: Uncertain significance. Last evaluated: 2021-01-02. Review status: criteria provided, single submitter. Criteria: LabCorp Variant Classification Summary - May 2015. Collection method: clinical testing. Allele origin: germline.
Comment: Variant summary: BRCA2 c.7340A>T (p.Asn2447Ile) results in a non-conservative amino acid change in the encoded protein sequence. Three of five in-silico tools predict a damaging effect of the variant on protein function. The variant was absent in 251128 control chromosomes. The available data on variant occurrences in the general population are insufficient to allow any conclusion about variant significance. To our knowledge, no occurrence of c.7340A>T in individuals affected with Hereditary Breast And Ovarian Cancer Syndrome and no experimental evidence demonstrating its impact on protein function have been reported. No clinical diagnostic laboratories have submitted clinical-significance assessments for this variant to ClinVar after 2014. Based on the evidence outlined above, the variant was classified as uncertain significance.